The following is an entry in ClinVar:

NM_004621.6(TRPC6):c.271C>T (p.Arg91Cys)

Gene: TRPC6 (transient receptor potential cation channel subfamily C member 6; minus strand). Cytogenetic location: 11q22.1.
Variant type: single nucleotide variant.
Coding change: c.271C>T on transcript NM_004621.6 (MANE Select); coding-DNA position 271, C replaced by T.
Protein change: p.Arg91Cys; replaces arginine 91 with cysteine.
Molecular consequence: missense variant.
Genome position (GRCh38, 1-based): chr11:101,504,698, G>A on the plus strand (C>T on the coding strand, the complement: TRPC6 is on the minus strand). VCF-style: chr11-101504698-G-A. GRCh37 (hg19) VCF-style: chr11-101375429-G-A.
Other names: c.271C>T (NM_004621.5); short protein forms R91C.
Identifiers: ClinVar variation 1047192 (VCV001047192.11), dbSNP rs200186406, ClinGen allele CA6244555.

ClinVar aggregate classification (germline): Conflicting classifications of pathogenicity. Review status: criteria provided, conflicting classifications (1 of 4 stars). 3 submissions from 3 submitters: Uncertain significance (2); Likely benign (1). Last evaluated 2025-05-01.

Conditions:
Inborn genetic diseases. Identifiers: MedGen C0950123, MeSH D030342.
Focal segmental glomerulosclerosis 2 (FSGS2). Identifiers: Orphanet 656, MedGen C1858915, MONDO:0011390, OMIM 603965.

Allele frequency attached by ClinVar (database versions not stated): gnomAD 0.00003 and 0.00004; ExAC 0.00004; gnomAD exomes 0.00006; TOPMed 0.00008; ESP Exome Variant Server 0.00015.
gnomAD v4.1: 81 of 1,594,254 alleles (0.0051%); highest among the groups gnomAD compares: Middle Eastern, 0.034%; no homozygotes.

Submissions (3):

Ambry Genetics
Classification: Likely benign for Inborn genetic diseases. Last evaluated: 2025-05-01. Review status: criteria provided, single submitter. Criteria: Ambry Variant Classification Scheme 2023. Collection method: clinical testing. Allele origin: germline.

Labcorp Genetics (formerly Invitae), Labcorp
Classification: Uncertain significance. Last evaluated: 2023-05-08. Review status: criteria provided, single submitter. Criteria: Invitae Variant Classification Sherloc (09022015). Collection method: clinical testing. Allele origin: germline.
Comment: In summary, the available evidence is currently insufficient to determine the role of this variant in disease. Therefore, it has been classified as a Variant of Uncertain Significance. Advanced modeling of protein sequence and biophysical properties (such as structural, functional, and spatial information, amino acid conservation, physicochemical variation, residue mobility, and thermodynamic stability) performed at Invitae indicates that this missense variant is not expected to disrupt TRPC6 protein function. ClinVar contains an entry for this variant (Variation ID: 1047192). This variant has not been reported in the literature in individuals affected with TRPC6-related conditions. This variant is present in population databases (rs200186406, gnomAD 0.01%). This sequence change replaces arginine, which is basic and polar, with cysteine, which is neutral and slightly polar, at codon 91 of the TRPC6 protein (p.Arg91Cys).

Fulgent Genetics
Classification: Uncertain significance for Focal segmental glomerulosclerosis 2. Last evaluated: 2022-03-17. Review status: criteria provided, single submitter. Criteria: ACMG Guidelines, 2015. Collection method: clinical testing. Allele origin: unknown.